The following is an entry in ClinVar:

ClinVar aggregate classification (germline): Uncertain significance (1 of 4 stars; one submission).

gnomAD v4.1: 3 of 1,613,864 alleles (0.00019%); highest among the groups gnomAD compares: Non-Finnish European, 0.00017%; no homozygotes.

Submission:

Ambry Genetics
Classification: Uncertain significance. Last evaluated: 2024-04-01. Review status: criteria provided, single submitter. Criteria: Ambry Variant Classification Scheme 2023. Collection method: clinical testing. Allele origin: germline.
Comment: The p.T710I variant (also known as c.2129C>T), located in coding exon 18 of the RAD54L gene, results from a C to T substitution at nucleotide position 2129. The threonine at codon 710 is replaced by isoleucine, an amino acid with similar properties. This amino acid position is conserved. In addition, this alteration is predicted to be tolerated by in silico analysis. Since supporting evidence is limited at this time, the clinical significance of this alteration remains unclear.

NM_003579.4(RAD54L):c.2129C>T (p.Thr710Ile)

Genes: LRRC41 (leucine rich repeat containing 41; minus strand), RAD54L (RAD54 like; plus strand). Cytogenetic location: 1p34.1.
Variant type: single nucleotide variant.
Coding change: c.2129C>T on transcript NM_003579.4 (MANE Select); coding-DNA position 2129, C replaced by T.
Protein change: p.Thr710Ile; replaces threonine 710 with isoleucine.
Molecular consequence: missense variant. On other transcripts: 3 prime UTR variant (1).
Genome position (GRCh38, 1-based): chr1:46,278,167, C>T. VCF-style: chr1-46278167-C-T. GRCh37 (hg19) VCF-style: chr1-46743839-C-T.
Other names: c.*698G>A (NM_006369.5); c.2129C>T, p.Thr710Ile (NM_001142548.2); c.1589C>T, p.Thr530Ile (NM_001370766.1); short protein forms T530I, T710I.
Identifiers: ClinVar variation 1786356 (VCV001786356.3), dbSNP rs142058773, ClinGen allele CA834822.